The following is an entry in ClinVar:

ClinVar aggregate classification (germline): Likely benign (1 of 4 stars; one submission).

Allele frequency attached by ClinVar (database versions not stated): gnomAD 0.01241 and 0.01247; TOPMed 0.01322; 1000 Genomes Project 0.01697; 1000 Genomes Project 30x 0.01780.
gnomAD v4.1: 1,888 of 152,306 alleles (1.2%); highest among the groups gnomAD compares: African/African-American, 3.5%; 36 homozygotes.

Submission:

GeneDx
Classification: Likely benign. Last evaluated: 2018-06-14. Review status: criteria provided, single submitter. Criteria: GeneDx Variant Classification (06012015). Collection method: clinical testing. Allele origin: germline. Affected: yes.
Comment: This variant is considered likely benign or benign based on one or more of the following criteria: it is a conservative change, it occurs at a poorly conserved position in the protein, it is predicted to be benign by multiple in silico algorithms, and/or has population frequency not consistent with disease.

NM_012062.5(DNM1L):c.1994+176C>T

Gene: DNM1L (dynamin 1 like; plus strand). Cytogenetic location: 12p11.21.
Variant type: single nucleotide variant.
Coding change: c.1994+176C>T on transcript NM_012062.5 (MANE Select); 176 bases into the intron after coding-DNA position 1994, C replaced by T.
Molecular consequence: intron variant.
Genome position (GRCh38, 1-based): chr12:32,740,694, C>T. VCF-style: chr12-32740694-C-T. GRCh37 (hg19) VCF-style: chr12-32893628-C-T.
Other names: c.2033+176C>T (NM_001278464.2); c.2000+176C>T (NM_001278465.2); c.1922+176C>T (NM_001330380.2); c.1385+176C>T (NM_001278466.2); c.1961+176C>T (NM_001278463.2); c.1916+176C>T (NM_012063.4); c.1883+176C>T (NM_005690.5).
Identifiers: ClinVar variation 680944 (VCV000680944.1), dbSNP rs80104548, ClinGen allele CA235206414.
Genomic context (GRCh38, chr12:32,740,694, plus strand): 5'-GGATTTTCTGATAGTCCTTGGGTAACTTGTAGCAAGACCCATTTTGTTAACATAGAATGA[C>T]TAGGACCTCATGTATCAGCTAGAAAAAGCTATTAAAAATGAGAGATTCTTTTGTTCTATC-3'